The following is an entry in ClinVar:

ClinVar aggregate classification (germline): Uncertain significance. Review status: criteria provided, multiple submitters, no conflicts (2 of 4 stars). 2 submissions from 2 submitters: Uncertain significance (2). Last evaluated 2026-09-09.

Conditions:
Inborn genetic diseases. Identifiers: MedGen C0950123, MeSH D030342.
SLITRK6-related disorder. Also called: SLITRK6-related condition.

Allele frequency attached by ClinVar (database versions not stated): gnomAD 0.00003; TOPMed 0.00008.
gnomAD v4.1: 7 of 1,613,070 alleles (0.00043%); highest among the groups gnomAD compares: Admixed American, 0.0084%; no homozygotes.

Submissions (2):

PreventionGenetics, part of Exact Sciences
Classification: Uncertain significance for SLITRK6-related condition. Last evaluated: 2026-09-09. Review status: criteria provided, single submitter. Criteria: ACMG Guidelines, 2015. Collection method: clinical testing. Allele origin: germline.
Comment: The SLITRK6 c.1934A>T variant is predicted to result in the amino acid substitution p.Asp645Val. To our knowledge, this variant has not been reported in the literature or in a large population database (gnomAD), indicating this variant is rare. At this time, the clinical significance of this variant is uncertain due to the absence of conclusive functional and genetic evidence.

Ambry Genetics
Classification: Uncertain significance for Inborn genetic diseases. Last evaluated: 2023-12-13. Review status: criteria provided, single submitter. Criteria: Ambry Variant Classification Scheme 2023. Collection method: clinical testing. Allele origin: germline.

NM_032229.3(SLITRK6):c.1934A>T (p.Asp645Val)

Gene: SLITRK6 (SLIT and NTRK like family member 6; minus strand). Cytogenetic location: 13q31.1.
Variant type: single nucleotide variant.
Coding change: c.1934A>T on transcript NM_032229.3 (MANE Select); coding-DNA position 1934, A replaced by T.
Protein change: p.Asp645Val; replaces aspartic acid 645 with valine.
Molecular consequence: missense variant.
Genome position (GRCh38, 1-based): chr13:85,794,575, T>A on the plus strand (A>T on the coding strand, the complement: SLITRK6 is on the minus strand). VCF-style: chr13-85794575-T-A. GRCh37 (hg19) VCF-style: chr13-86368710-T-A.
Other names: short protein forms D645V.
Identifiers: ClinVar variation 3166130 (VCV003166130.2), dbSNP rs1244942975, ClinGen allele CA388373900.